The following is an entry in ClinVar:

NM_001374828.1(ARID1B):c.858G>A (p.Pro286=)

Genes: ARID1B (AT-rich interaction domain 1B; plus strand), LOC129997525 (ATAC-STARR-seq lymphoblastoid silent region 17712; plus strand). Cytogenetic location: 6q25.3.
Variant type: single nucleotide variant.
Coding change: c.858G>A on transcript NM_001374828.1 (MANE Select); coding-DNA position 858, G replaced by A.
Protein change: p.Pro286=; no amino-acid change (proline 286 retained).
Molecular consequence: synonymous variant.
Genome position (GRCh38, 1-based): chr6:156,778,538, G>A. VCF-style: chr6-156778538-G-A. GRCh37 (hg19) VCF-style: chr6-157099672-G-A.
Other names: c.858G>A, p.Pro286= (NM_001371656.1, NM_001374820.1, NM_017519.3).
Identifiers: ClinVar variation 3257105 (VCV003257105.17).
Genomic context (GRCh38, chr6:156,778,538, plus strand): 5'-CGACGAGGACGACGCGCCGCCCAAGATGGGGGAGCCGGCGGGCGGCCGCTACGAGCACCC[G>A]GGCTTGGGCGCCCTGGGCACGCAGCAGCCGCCGGTCGCCGTGCCCGGGGGCGGCGGCGGC-3'
Protein context (NP_001361757.1, residues 276-296): GEPAGGRYEH[Pro286=]GLGALGTQQP

ClinVar aggregate classification (germline): Likely benign (1 of 4 stars; one submission).

gnomAD v4.1: 8 of 1,227,282 alleles (0.00065%); highest among the groups gnomAD compares: Non-Finnish European, 0.00071%; no homozygotes.

Submission:

CeGaT Center for Human Genetics Tuebingen
Classification: Likely benign. Last evaluated: 2024-07-01. Review status: criteria provided, single submitter. Criteria: CeGaT Center For Human Genetics Tuebingen Variant Classification Criteria Version 2. Collection method: clinical testing. Allele origin: germline. Affected: yes. Observed: 1 variant allele.
Comment: ARID1B: BP4, BP7